The following is an entry in ClinVar:

NM_000273.3(GPR143):c.237_239del (p.Leu80del)

Gene: GPR143 (G protein-coupled receptor 143; minus strand). Cytogenetic location: Xp22.2.
Variant type: Deletion.
Coding change: c.237_239del on transcript NM_000273.3 (MANE Select); coding-DNA positions 237 to 239, 3 bases deleted (TCT; older notation c.237_239delTCT).
Protein change: p.Leu80del; deletes leucine 80.
Molecular consequence: inframe deletion.
Genome position (GRCh38, 1-based): chrX:9,765,579-9,765,581, AGA deleted on the plus strand (TCT on the coding strand, the reverse complement: GPR143 is on the minus strand); deleting any 3 consecutive bases within chrX:9,765,579-9,765,583 gives the same sequence; the c. name uses the placement nearest the transcript's 3' end. VCF-style (leftmost placement, unchanged base first): chrX-9765578-GAGA-G. GRCh37 (hg19) VCF-style: chrX-9733618-GAGA-G.
Other names: short protein forms L80del.
Identifiers: ClinVar variation 1378551 (VCV001378551.6), dbSNP rs2146705633, ClinGen allele CA2573159673.
Genomic context (GRCh38, chrX:9,765,578, plus strand): 5'-TCACCCAGGCGCTGATCAGATTCCAACCCGCGGGCCGCGCGCGCCCTTACCCAGGCAGCC[GAGA>G]AGGTCGCAGGCAGCGGCAGCGCGCAGGATGCGGACCGAGGCCGGCGGGGACGTCGCGGGG-3'

ClinVar aggregate classification (germline): Pathogenic (1 of 4 stars; one submission).

Submission:

Labcorp Genetics (formerly Invitae), Labcorp
Classification: Pathogenic. Last evaluated: 2025-12-08. Review status: criteria provided, single submitter. Criteria: Invitae Variant Classification Sherloc (09022015). Collection method: clinical testing. Allele origin: germline.
Comment: This variant, c.237_239del, results in the deletion of 1 amino acid(s) of the GPR143 protein (p.Leu80del), but otherwise preserves the integrity of the reading frame. This variant is not present in population databases (gnomAD no frequency). This variant has been observed in individuals with clinical features of ocular albinism (PMID: 18978956, 32830442, 34838614; internal data). It has also been observed to segregate with disease in related individuals. ClinVar contains an entry for this variant (Variation ID: 1378551). This variant disrupts a region of the GPR143 protein in which other variant(s) (p.Leu80Pro) have been observed in individuals with GPR143-related conditions (internal data). This suggests that this is a clinically significant region of the protein, and that variants that disrupt it are likely to be disease-causing. For these reasons, this variant has been classified as Pathogenic.

Literature cited by the submitters: PubMed 18978956; PubMed 32830442; PubMed 34838614.